The following is an entry in ClinVar:

ClinVar aggregate classification (germline): Uncertain significance. Review status: criteria provided, multiple submitters, no conflicts (2 of 4 stars). 4 submissions from 4 submitters: Uncertain significance (4). Last evaluated 2025-07-21.

Conditions:
Aortic aneurysm, familial thoracic 4 (AAT4). Also called: AORTIC ANEURYSM/AORTIC DISSECTION AND PATENT DUCTUS ARTERIOSUS. Identifiers: MedGen C1851504, MONDO:0007568, OMIM 132900.
Visceral myopathy 2. Identifiers: MedGen C5543466, MONDO:0859157, OMIM 619350.
Megacystis-microcolon-intestinal hypoperistalsis syndrome 2. Identifiers: MedGen C5543476, MONDO:0025708, OMIM 619351.

Submissions (4):

GeneDx
Classification: Uncertain significance. Last evaluated: 2025-07-21. Review status: criteria provided, single submitter. Criteria: GeneDx Variant Classification Process June 2021. Collection method: clinical testing. Allele origin: germline. Affected: yes.
Comment: Not observed at significant frequency in large population cohorts (gnomAD); In silico analysis supports that this missense variant has a deleterious effect on protein structure/function; Has not been previously published as pathogenic or benign to our knowledge

Labcorp Genetics (formerly Invitae), Labcorp
Classification: Uncertain significance for Aortic aneurysm, familial thoracic 4. Last evaluated: 2022-04-29. Review status: criteria provided, single submitter. Criteria: Invitae Variant Classification Sherloc (09022015). Collection method: clinical testing. Allele origin: germline.
Comment: This sequence change replaces glutamic acid, which is acidic and polar, with glycine, which is neutral and non-polar, at codon 970 of the MYH11 protein (p.Glu970Gly). In summary, the available evidence is currently insufficient to determine the role of this variant in disease. Therefore, it has been classified as a Variant of Uncertain Significance. Algorithms developed to predict the effect of missense changes on protein structure and function are either unavailable or do not agree on the potential impact of this missense change (SIFT: "Deleterious"; PolyPhen-2: "Benign"; Align-GVGD: "Class C0"). This variant has not been reported in the literature in individuals affected with MYH11-related conditions. This variant is not present in population databases (gnomAD no frequency).

AiLife Diagnostics
Classification: Uncertain significance. Last evaluated: 2021-09-22. Review status: criteria provided, single submitter. Criteria: ACMG Guidelines, 2015. Collection method: clinical testing. Allele origin: germline. Affected: yes. Observed: 1 variant allele.

Fulgent Genetics
Classification: Uncertain significance for Aortic aneurysm, familial thoracic 4; Visceral myopathy 2; Megacystis-microcolon-intestinal hypoperistalsis syndrome 2. Last evaluated: 2021-08-24. Review status: criteria provided, single submitter. Criteria: ACMG Guidelines, 2015. Collection method: clinical testing. Allele origin: unknown.

NM_002474.3(MYH11):c.2888A>G (p.Glu963Gly)

Gene: MYH11 (myosin heavy chain 11; minus strand). Cytogenetic location: 16p13.11.
Variant type: single nucleotide variant.
Coding change: c.2888A>G on transcript NM_002474.3 (MANE Select); coding-DNA position 2888, A replaced by G.
Protein change: p.Glu963Gly; replaces glutamic acid 963 with glycine.
Molecular consequence: missense variant.
Genome position (GRCh38, 1-based): chr16:15,740,160, T>C on the plus strand (A>G on the coding strand, the complement: MYH11 is on the minus strand). VCF-style: chr16-15740160-T-C. GRCh37 (hg19) VCF-style: chr16-15834017-T-C.
Other names: c.2909A>G, p.Glu970Gly (NM_001040113.2, NM_001040114.2); c.2888A>G, p.Glu963Gly (NM_022844.3); c.2888A>G (NM_002474.2); short protein forms E963G, E970G.
Identifiers: ClinVar variation 1677521 (VCV001677521.8), dbSNP rs2151248171, ClinGen allele CA394864813.
Genomic context (GRCh38, chr16:15,740,160, plus strand): 5'-AGTTTCTTGATCTTGGCCTCAGCCGTGACCTTCTCAAGTTGCAGCTTCTGCCTGGCAGCT[T>C]CCTCCTCCTCCAGCTGTTCTTCAAGGTCCTTTGTTGTGGAGGGAAAAGAGTAACAGCTTT-3'
Protein context (NP_002465.1, residues 953-973): LDLEEQLEEE[Glu963Gly]AARQKLQLEK